The following is an entry in ClinVar:

ClinVar aggregate classification (germline): Conflicting classifications of pathogenicity. Review status: criteria provided, conflicting classifications (1 of 4 stars). 6 submissions from 6 submitters: Uncertain significance (4); Likely benign (2). Last evaluated 2025-09-05.

Conditions:
Hereditary cancer-predisposing syndrome. Also called: Hereditary neoplastic syndrome; Hereditary Cancer Syndrome; Neoplastic Syndromes, Hereditary; Tumor predisposition. Identifiers: Orphanet 140162, MedGen C0027672, MeSH D009386, MONDO:0015356.
Hereditary breast ovarian cancer syndrome. Also called: Hereditary breast and ovarian cancer syndrome; BRCA1- and BRCA2-Associated Hereditary Breast and Ovarian Cancer; Hereditary breast and/or ovarian cancer syndrome; Hereditary breast and ovarian cancer; Breast and ovarian cancer; Hereditary breast and ovarian cancer syndrome (HBOC). Identifiers: Orphanet 145, MedGen C0677776, MeSH D061325, MONDO:0003582. Disease mechanism: loss of function.
Breast-ovarian cancer, familial, susceptibility to, 2 (BROVCA2). Also called: BRCA2 Hereditary Breast and Ovarian Cancer. Identifiers: Orphanet 145, MedGen C2675520, MONDO:0012933, OMIM 612555. Disease mechanism: loss of function.

Allele frequency attached by ClinVar (database versions not stated): gnomAD exomes below 0.00001 and 0.00001.

Submissions (6):

Color Diagnostics, LLC DBA Color Health
Classification: Likely benign for Hereditary cancer-predisposing syndrome. Last evaluated: 2025-09-05. Review status: criteria provided, single submitter. Criteria: ACMG Guidelines, 2015. Collection method: clinical testing. Allele origin: germline.

Ambry Genetics
Classification: Likely benign for Hereditary cancer-predisposing syndrome. Last evaluated: 2025-05-15. Review status: criteria provided, single submitter. Criteria: Ambry Variant Classification Scheme 2023. Collection method: clinical testing. Allele origin: germline.

Labcorp Genetics (formerly Invitae), Labcorp
Classification: Uncertain significance for Hereditary breast ovarian cancer syndrome. Last evaluated: 2025-02-02. Review status: criteria provided, single submitter. Criteria: Invitae Variant Classification Sherloc (09022015). Collection method: clinical testing. Allele origin: germline.
Comment: This sequence change replaces glutamic acid, which is acidic and polar, with glycine, which is neutral and non-polar, at codon 2877 of the BRCA2 protein (p.Glu2877Gly). This variant is present in population databases (no rsID available, gnomAD 0.007%). This variant has not been reported in the literature in individuals affected with BRCA2-related conditions. ClinVar contains an entry for this variant (Variation ID: 421175). An algorithm developed to predict the effect of missense changes on protein structure and function (PolyPhen-2) suggests that this variant is likely to be disruptive. In summary, the available evidence is currently insufficient to determine the role of this variant in disease. Therefore, it has been classified as a Variant of Uncertain Significance.

Molecular Pathology, Peter Maccallum Cancer Centre
Classification: Uncertain significance for Breast-ovarian cancer, familial, susceptibility to, 2. Last evaluated: 2024-12-30. Review status: criteria provided, single submitter. Criteria: ACMG Guidelines, 2015. Collection method: clinical testing. Allele origin: germline. Inheritance: Autosomal dominant inheritance.

GeneDx
Classification: Uncertain significance. Last evaluated: 2024-03-27. Review status: criteria provided, single submitter. Criteria: GeneDx Variant Classification Process June 2021. Collection method: clinical testing. Allele origin: germline. Affected: yes.
Comment: Reported in at least one individual undergoing testing for the BRCA1 and BRCA2 genes (PMID: 23942203); Also known as 8858A>G; Not observed at significant frequency in large population cohorts (gnomAD); In silico analysis supports that this missense variant does not alter protein structure/function; This variant is associated with the following publications: (PMID: 29884841, 32377563, 35585550, 12228710, 23942203)

Women's Health and Genetics/Laboratory Corporation of America, LabCorp
Classification: Uncertain significance. Last evaluated: 2019-02-08. Review status: criteria provided, single submitter. Criteria: LabCorp Variant Classification Summary - May 2015. Collection method: clinical testing. Allele origin: germline.
Comment: Variant summary: BRCA2 c.8630A>G (p.Glu2877Gly) results in a non-conservative amino acid change in the encoded protein sequence. Four of five in-silico tools predict a damaging effect of the variant on protein function. The variant allele was found at a frequency of 8.1e-06 in 245760 control chromosomes (gnomAD). The available data on variant occurrences in the general population are insufficient to allow any conclusion about variant significance. c.8630A>G has been reported in the literature as part of a validation study (Tarabeux_2014) with no clear phenotypic information being provided. This report does not provide an unequivocal conclusion about association of the variant with Hereditary Breast and Ovarian Cancer. To our knowledge, no experimental evidence demonstrating an impact on protein function has been reported. A ClinVar submission from a clinical diagnostic laboratory (evaluation after 2014) cites the variant as uncertain significance. Based on the evidence outlined above, the variant was classified as uncertain significance.

Literature cited by the submitters: PubMed 23942203 (cited by Women's Health and Genetics/Laboratory Corporation of America, LabCorp).

NM_000059.4(BRCA2):c.8630A>G (p.Glu2877Gly)

Gene: BRCA2 (BRCA2 DNA repair associated; plus strand). Cytogenetic location: 13q13.1.
Variant type: single nucleotide variant.
Coding change: c.8630A>G on transcript NM_000059.4 (MANE Select); coding-DNA position 8630, A replaced by G.
Protein change: p.Glu2877Gly; replaces glutamic acid 2877 with glycine.
Molecular consequence: missense variant.
Genome position (GRCh38, 1-based): chr13:32,371,098, A>G. VCF-style: chr13-32371098-A-G. GRCh37 (hg19) VCF-style: chr13-32945235-A-G.
Other names: short protein forms E2877G.
Identifiers: ClinVar variation 421175 (VCV000421175.13), dbSNP rs1064794960, ClinGen allele CA16619780.